The following is an entry in ClinVar:

NM_007294.4(BRCA1):c.4675+1392T>A

Gene: BRCA1 (BRCA1 DNA repair associated; minus strand). Cytogenetic location: 17q21.31.
Variant type: single nucleotide variant.
Coding change: c.4675+1392T>A on transcript NM_007294.4 (MANE Select); 1392 bases into the intron after coding-DNA position 4675, T replaced by A.
Molecular consequence: intron variant.
Genome position (GRCh38, 1-based): chr17:43,072,939, A>T on the plus strand (T>A on the coding strand, the complement: BRCA1 is on the minus strand). VCF-style: chr17-43072939-A-T. GRCh37 (hg19) VCF-style: chr17-41224956-A-T.
Other names: c.1222+1392T>A (NM_001408458.1, NM_001408461.1, NM_001408464.1 and 7 more transcripts); c.3784+1392T>A (NM_001407967.1); c.4294+1392T>A (NM_001407959.1); c.4408+1392T>A (NM_001407931.1, NM_001407932.1, NM_001407928.1 and 4 more transcripts); c.4531+1392T>A (NM_001407747.1, NM_001407745.1, NM_001407737.1 and 21 more transcripts); c.4291+1392T>A (NM_001407962.1, NM_001407960.1); c.862+1392T>A (NM_001408512.1); c.985+1392T>A (NM_001408510.1); and 71 more.
Identifiers: ClinVar variation 264784 (VCV000264784.2), dbSNP rs191530878, ClinGen allele CA10588208.

ClinVar aggregate classification (germline): Benign (3 of 4 stars; one submission).

Conditions:
Breast-ovarian cancer, familial, susceptibility to, 1 (BROVCA1). Also called: BRCA1 Hereditary Breast and Ovarian Cancer; OVARIAN CANCER, SUSCEPTIBILITY TO. Identifiers: Orphanet 145, MedGen C2676676, MONDO:0011450, OMIM 604370. Disease mechanism: loss of function.

Allele frequency attached by ClinVar (database versions not stated): gnomAD 0.00624 and 0.00696; TOPMed 0.01085; 1000 Genomes Project 0.01458; 1000 Genomes Project 30x 0.01608.
gnomAD v4.1: 1,034 of 149,138 alleles (0.69%); highest among the groups gnomAD compares: Admixed American, 5.9%; 44 homozygotes.

Submission:

Evidence-based Network for the Interpretation of Germline Mutant Alleles (ENIGMA)
Classification: Benign for Breast-ovarian cancer, familial, susceptibility to, 1. Last evaluated: 2016-09-28. Review status: reviewed by expert panel. Criteria: ENIGMA BRCA1/2 Classification Criteria (2015). Collection method: curation. Allele origin: germline.
Comment: Class 1 not pathogenic based on frequency >1% in an outbred sampleset. Frequency 0.0821 (Admixed American/Latino), 0.0153 (South Asian), derived from 1000 genomes (2013-05-02).